The following is an entry in ClinVar:

ClinVar aggregate classification (germline): Uncertain significance. Review status: criteria provided, multiple submitters, no conflicts (2 of 4 stars). 2 submissions from 2 submitters: Uncertain significance (2). Last evaluated 2020-12-08.

Conditions:
Hereditary cancer-predisposing syndrome. Also called: Hereditary neoplastic syndrome; Tumor predisposition; Neoplastic Syndromes, Hereditary; Hereditary Cancer Syndrome. Identifiers: Orphanet 140162, MedGen C0027672, MeSH D009386, MONDO:0015356.

Allele frequency attached by ClinVar (database versions not stated): gnomAD exomes below 0.00001.
gnomAD v4.1: 1 of 1,614,146 alleles (0.000062%); highest among the groups gnomAD compares: Non-Finnish European, 0.000085%; no homozygotes.

Submissions (2):

Color Diagnostics, LLC DBA Color Health
Classification: Uncertain significance for Hereditary cancer-predisposing syndrome. Last evaluated: 2020-12-08. Review status: criteria provided, single submitter. Criteria: ACMG Guidelines, 2015. Collection method: clinical testing. Allele origin: germline.
Comment: This missense variant replaces proline with serine at codon 94 of the CDH1 protein. To our knowledge, functional studies have not been reported for this variant. This variant has not been reported in individuals affected with hereditary cancer in the literature. This variant has not been identified in the general population by the Genome Aggregation Database (gnomAD). The available evidence is insufficient to determine the role of this variant in disease conclusively. Therefore, this variant is classified as a Variant of Uncertain Significance.

GeneDx
Classification: Uncertain significance. Last evaluated: 2015-07-15. Review status: criteria provided, single submitter. Criteria: GeneDx Variant Classification (06012015). Collection method: clinical testing. Allele origin: germline. Affected: yes.
Comment: This variant is denoted CDH1 c.280C>T at the cDNA level, p.Pro94Ser (P94S) at the protein level, and results in the change of a Proline to a Serine (CCA>TCA). This variant has not, to our knowledge, been published in the literature as pathogenic or benign. CDH1 Pro94Ser was not observed in approximately 6,500 individuals of European and African American ancestry in the NHLBI Exome Sequencing Project, indicating it is not a common benign variant in these populations. Since Proline and Serine differ in polarity, charge, size or other properties, this is considered a non-conservative amino acid substitution. CDH1 Pro94Ser occurs at a position that is not conserved and is not located in a known functional domain (Figueiredo 2013). In silico analyses predict that this variant is unlikely to alter protein structure or function. Based on currently available information, it is unclear whether CDH1 Pro94Ser is pathogenic or benign. We consider it to be a variant of uncertain significance.

NM_004360.5(CDH1):c.280C>T (p.Pro94Ser)

Gene: CDH1 (cadherin 1; plus strand). Cytogenetic location: 16q22.1.
Variant type: single nucleotide variant.
Coding change: c.280C>T on transcript NM_004360.5 (MANE Select); coding-DNA position 280, C replaced by T.
Protein change: p.Pro94Ser; replaces proline 94 with serine.
Molecular consequence: missense variant. On other transcripts: 5 prime UTR variant (2).
Genome position (GRCh38, 1-based): chr16:68,801,786, C>T. VCF-style: chr16-68801786-C-T. GRCh37 (hg19) VCF-style: chr16-68835689-C-T.
Other names: c.280C>T, p.Pro94Ser (NM_001317184.2); c.-1336C>T (NM_001317185.2); c.-1540C>T (NM_001317186.2); c.280C>T (LRG_301t1); short protein forms P94S.
Identifiers: ClinVar variation 419424 (VCV000419424.6), dbSNP rs1064793862, ClinGen allele CA16620233.